The following is an entry in ClinVar:

ClinVar aggregate classification (germline): Uncertain significance (1 of 4 stars; one submission).

Submission:

Labcorp Genetics (formerly Invitae), Labcorp
Classification: Uncertain significance. Last evaluated: 2025-02-03. Review status: criteria provided, single submitter. Criteria: Invitae Variant Classification Sherloc (09022015). Collection method: clinical testing. Allele origin: germline.
Comment: This sequence change creates a premature translational stop signal (p.Ala1176Profs*17) in the MYH7B gene. It is expected to result in an absent or disrupted protein product. However, the current clinical and genetic evidence is not sufficient to establish whether loss-of-function variants in MYH7B cause disease. This variant is present in population databases (no rsID available, gnomAD 0.01%). This variant has not been reported in the literature in individuals affected with MYH7B-related conditions. In summary, the available evidence is currently insufficient to determine the role of this variant in disease. Therefore, it has been classified as a Variant of Uncertain Significance.

NM_020884.7(MYH7B):c.3400_3409del (p.Ala1134fs)

Gene: MYH7B (myosin heavy chain 7B; plus strand). Cytogenetic location: 20q11.22.
Variant type: Deletion.
Coding change: c.3400_3409del on transcript NM_020884.7 (MANE Select); coding-DNA positions 3400 to 3409, 10 bases deleted (GCAGCCCGGG; older notation c.3400_3409delGCAGCCCGGG).
Protein change: p.Ala1134fs; shifts the reading frame from alanine 1134.
Molecular consequence: frameshift variant.
Genome position (GRCh38, 1-based): chr20:34,997,293-34,997,302, GCAGCCCGGG deleted; deleting any 10 consecutive bases within chr20:34,997,291-34,997,302 gives the same sequence; the c. name uses the placement nearest the transcript's 3' end. VCF-style (leftmost placement, unchanged base first): chr20-34997290-CGGGCAGCCCG-C. GRCh37 (hg19) VCF-style: chr20-33585093-CGGGCAGCCCG-C.
Other names: short protein forms A1134fs.
Identifiers: ClinVar variation 4712213 (VCV004712213.1).
Genomic context (GRCh38, chr20:34,997,290, plus strand): 5'-TGCCCCACGTGCCCACCCCAGGCTCGGGCGGAGGAGCTGGAAGAGGAGCTGGAGGCAGAG[CGGGCAGCCCG>C]GGCCCGCGTGGAGAAGCAGCGTGCAGAGGCGGCGCGGGAGCTGGAGGAGCTGAGCGAGCG-3'